The following is an entry in ClinVar:

NM_138694.4(PKHD1):c.5065del (p.Met1689fs)

Genes: PKHD1 (PKHD1 ciliary IPT domain containing fibrocystin/polyductin; minus strand), LOC126859690 (MED14-independent group 3 enhancer GRCh37_chr6:51888848-51890047; plus strand). Cytogenetic location: 6p12.2.
Variant type: Deletion.
Coding change: c.5065del on transcript NM_138694.4 (MANE Select); coding-DNA position 5065, one base deleted (A; older notation c.5065delA).
Protein change: p.Met1689fs; shifts the reading frame from methionine 1689.
Molecular consequence: frameshift variant.
Genome position (GRCh38, 1-based): chr6:52,024,745, T deleted on the plus strand (A on the coding strand, the reverse complement: PKHD1 is on the minus strand); the first of 2 consecutive T bases (chr6:52,024,745-52,024,746); deleting either gives the same sequence. VCF-style (leftmost placement, unchanged base first): chr6-52024744-AT-A. GRCh37 (hg19) VCF-style: chr6-51889542-AT-A.
Other names: c.5065del, p.Met1689fs (NM_170724.3); short protein forms M1689fs.
Identifiers: ClinVar variation 496521 (VCV000496521.1), dbSNP rs1554198072, ClinGen allele CA658683444.
Genomic context (GRCh38, chr6:52,024,744, plus strand): 5'-AGGGAAGGGACCACGCACTGAAGAACGGTGTGGTTACCAGAGACACCCACACAGGGTGAC[AT>A]TCCTATAAAAATGTCAATGTTTGCAGCTCCTGAGATCTGGGCCACTGCAAAGGTTAAGAT-3'

ClinVar aggregate classification (germline): Likely pathogenic (1 of 4 stars; one submission).

Conditions:
Autosomal recessive polycystic kidney disease (ARPKD). Also called: AR polycystic kidney disease. Identifiers: Orphanet 731, Orphanet 8378, MedGen C0085548, MeSH D017044, MONDO:0009889.

Submission:

Women's Health and Genetics/Laboratory Corporation of America, LabCorp
Classification: Likely pathogenic for Autosomal recessive polycystic kidney disease. Last evaluated: 2017-01-23. Review status: criteria provided, single submitter. Criteria: LabCorp Variant Classification Summary - May 2015. Collection method: clinical testing. Allele origin: germline.
Comment: Variant summary: The PKHD1 c.5065delA (p.Met1689Cysfs) variant results in a premature termination codon, predicted to cause a truncated or absent PKHD1 protein due to nonsense mediated decay, which are commonly known mechanisms for disease. Truncations downstream of this position have been classified as pathogenic by our laboratory (e.g. c.9319C>T (p.Arg3107X) and c.9689delA (p.Asp3230fs)). The variant of interest was not observed in controls (ExAC, 1000 Gs, or ESP), nor has it been, to our knowledge, reported in affected individuals via publicatiosn and/or databases/clinical diagnostic laboratories. Therefore, until additional information becomes available (ie, clinical and functional studies), the variant of interest has been classified as "likely pathogenic."